The following is an entry in ClinVar:

NM_001793.6(CDH3):c.1478G>T (p.Gly493Val)

Gene: CDH3 (cadherin 3; plus strand). Cytogenetic location: 16q22.1.
Variant type: single nucleotide variant.
Coding change: c.1478G>T on transcript NM_001793.6 (MANE Select); coding-DNA position 1478, G replaced by T.
Protein change: p.Gly493Val; replaces glycine 493 with valine.
Molecular consequence: missense variant.
Genome position (GRCh38, 1-based): chr16:68,685,258, G>T. VCF-style: chr16-68685258-G-T. GRCh37 (hg19) VCF-style: chr16-68719161-G-T.
Other names: c.1478G>T, p.Gly493Val (NM_001317195.3); c.1313G>T, p.Gly438Val (NM_001317196.2); c.1478G>T (NM_001793.4); short protein forms G438V, G493V.
Identifiers: ClinVar variation 1990130 (VCV001990130.5), dbSNP rs776175240, ClinGen allele CA396454358.

ClinVar aggregate classification (germline): Uncertain significance. Review status: criteria provided, multiple submitters, no conflicts (2 of 4 stars). 2 submissions from 2 submitters: Uncertain significance (2). Last evaluated 2025-08-14.

Conditions:
Inborn genetic diseases. Identifiers: MedGen C0950123, MeSH D030342.

Submissions (2):

Ambry Genetics
Classification: Uncertain significance for Inborn genetic diseases. Last evaluated: 2025-08-14. Review status: criteria provided, single submitter. Criteria: Ambry Variant Classification Scheme 2023. Collection method: clinical testing. Allele origin: germline.

Labcorp Genetics (formerly Invitae), Labcorp
Classification: Uncertain significance. Last evaluated: 2024-11-05. Review status: criteria provided, single submitter. Criteria: Invitae Variant Classification Sherloc (09022015). Collection method: clinical testing. Allele origin: germline.
Comment: This sequence change replaces glycine, which is neutral and non-polar, with valine, which is neutral and non-polar, at codon 493 of the CDH3 protein (p.Gly493Val). This variant is not present in population databases (gnomAD no frequency). This variant has not been reported in the literature in individuals affected with CDH3-related conditions. ClinVar contains an entry for this variant (Variation ID: 1990130). Invitae Evidence Modeling of protein sequence and biophysical properties (such as structural, functional, and spatial information, amino acid conservation, physicochemical variation, residue mobility, and thermodynamic stability) indicates that this missense variant is expected to disrupt CDH3 protein function with a positive predictive value of 80%. In summary, the available evidence is currently insufficient to determine the role of this variant in disease. Therefore, it has been classified as a Variant of Uncertain Significance.